The following is an entry in ClinVar:

NM_001159773.2(CANT1):c.159_160inv (p.Ala54Thr)

Gene: CANT1 (calcium activated nucleotidase 1; minus strand). Cytogenetic location: 17q25.3.
Variant type: Inversion.
Coding change: c.159_160inv on transcript NM_001159773.2 (MANE Select).
Protein change: p.Ala54Thr; replaces alanine 54 with threonine.
Molecular consequence: missense variant.
Genome position: GRCh38 VCF-style: chr17-78997463-CA-TG. GRCh37 (hg19) VCF-style: chr17-76993545-CA-TG.
Other names: c.159_160inv, p.Ala54Thr (NM_001159772.2, NM_138793.4); short protein forms A54T.
Identifiers: ClinVar variation 1981282 (VCV001981282.1), ClinGen allele CA2580095266.
Genomic context (GRCh38, chr17:78,997,463, plus strand): 5'-CATTGTGGGTGGGGGGCCTGCCGGGGGCCGGGCGGTGGGAGCAGAGCAGCCAGAGGATGG[CA>TG]GCACCCACAAAGAACGTCAGGATCACCTTCCAGCGGGGGCGGAAGCGGGGGTCCGCGGCC-3'
Protein context (NP_001153245.1, residues 44-64): KVILTFFVGA[Ala54Thr]ILWLLCSHRP

ClinVar aggregate classification (germline): Uncertain significance (1 of 4 stars; one submission).

Submission:

Labcorp Genetics (formerly Invitae), Labcorp
Classification: Uncertain significance. Last evaluated: 2022-10-10. Review status: criteria provided, single submitter. Criteria: Invitae Variant Classification Sherloc (09022015). Collection method: clinical testing. Allele origin: germline.
Comment: This sequence change replaces alanine, which is neutral and non-polar, with threonine, which is neutral and polar, at codon 54 of the CANT1 protein (p.Ala54Thr). Information on the frequency of this variant in the gnomAD database is not available, as this variant may be reported differently in the database. This variant has not been reported in the literature in individuals affected with CANT1-related conditions. Experimental studies and prediction algorithms are not available or were not evaluated, and the functional significance of this variant is currently unknown. In summary, the available evidence is currently insufficient to determine the role of this variant in disease. Therefore, it has been classified as a Variant of Uncertain Significance.